The following is an entry in ClinVar:

NM_206933.4(USH2A):c.2691C>A (p.Cys897Ter)

Genes: USH2A (usherin; minus strand), LOC122152296 (Sharpr-MPRA regulatory region 8762; plus strand). Cytogenetic location: 1q41.
Variant type: single nucleotide variant.
Coding change: c.2691C>A on transcript NM_206933.4 (MANE Select); coding-DNA position 2691, C replaced by A.
Protein change: p.Cys897Ter; replaces cysteine 897 with a stop codon.
Molecular consequence: nonsense.
Genome position (GRCh38, 1-based): chr1:216,246,703, G>T on the plus strand (C>A on the coding strand, the complement: USH2A is on the minus strand). VCF-style: chr1-216246703-G-T. GRCh37 (hg19) VCF-style: chr1-216420045-G-T.
Other names: c.2691C>A (NM_206933.2); c.2691C>A, p.Cys897Ter (NM_007123.6); short protein forms C897*.
Identifiers: ClinVar variation 2043331 (VCV002043331.6), dbSNP rs2528161583, ClinGen allele CA344864245.

ClinVar aggregate classification (germline): Pathogenic/Likely pathogenic. Review status: criteria provided, multiple submitters, no conflicts (2 of 4 stars). 3 submissions from 3 submitters: Pathogenic (1); Likely pathogenic (2). Last evaluated 2026-01-09.

Conditions:
Retinitis pigmentosa 39 (RP39). Identifiers: Orphanet 791, MedGen C3151138, MONDO:0013436, OMIM 613809.
Usher syndrome type 2A. Also called: RETINAL DISEASE IN USHER SYNDROME TYPE IIA, MODIFIER OF; USHER SYNDROME, TYPE IIA. Identifiers: Orphanet 231178, Orphanet 886, MedGen C1848634, MONDO:0010169, OMIM 276901.

Allele frequency attached by ClinVar (database versions not stated): gnomAD exomes below 0.00001.
gnomAD v4.1: 1 of 1,614,058 alleles (0.000062%); highest among the groups gnomAD compares: Non-Finnish European, 0.000085%; no homozygotes.

Submissions (3):

Labcorp Genetics (formerly Invitae), Labcorp
Classification: Pathogenic. Last evaluated: 2026-01-09. Review status: criteria provided, single submitter. Criteria: Invitae Variant Classification Sherloc (09022015). Collection method: clinical testing. Allele origin: germline.
Comment: This sequence change creates a premature translational stop signal (p.Cys897*) in the USH2A gene. It is expected to result in an absent or disrupted protein product. Loss-of-function variants in USH2A are known to be pathogenic (PMID: 10729113, 10909849, 20507924, 25649381). This variant is not present in population databases (gnomAD no frequency). This premature translational stop signal has been observed in individual(s) with inherited retinal disease (PMID: 36460718). ClinVar contains an entry for this variant (Variation ID: 2043331). Algorithms developed to predict the effect of sequence changes on RNA splicing suggest that this variant may create or strengthen a splice site. For these reasons, this variant has been classified as Pathogenic.

Natera, Inc.
Classification: Likely pathogenic for Usher syndrome type 2A. Last evaluated: 2025-12-31. Review status: criteria provided, single submitter. Criteria: Natera Variant Classification Schema (03/2026). Collection method: clinical testing. Allele origin: germline.
Comment: The c.2691C>A variant in USH2A is a nonsense variant predicted to introduce a stop codon at amino acid 897. This variant is expected to result in nonsense mediated decay, truncation, or a dysfunctional protein product. This variant is rare in the general population with a frequency below the threshold expected for the associated phenotype(s). Given the available evidence, this variant is classified as Likely Pathogenic.

Baylor Genetics
Classification: Likely pathogenic for Retinitis pigmentosa 39. Last evaluated: 2022-03-14. Review status: criteria provided, single submitter. Criteria: ACMG Guidelines, 2015. Collection method: clinical testing. Allele origin: unknown.

Literature cited by the submitters: PubMed 10729113 (cited by Labcorp Genetics (formerly Invitae), Labcorp); PubMed 10909849 (cited by Labcorp Genetics (formerly Invitae), Labcorp); PubMed 20507924 (cited by Labcorp Genetics (formerly Invitae), Labcorp); PubMed 25649381 (cited by Labcorp Genetics (formerly Invitae), Labcorp); PubMed 36460718 (cited by Labcorp Genetics (formerly Invitae), Labcorp).